The following is an entry in ClinVar:

ClinVar aggregate classification (germline): Uncertain significance (1 of 4 stars; one submission).

Submission:

Ambry Genetics
Classification: Uncertain significance. Last evaluated: 2026-01-18. Review status: criteria provided, single submitter. Criteria: Ambry Variant Classification Scheme 2023. Collection method: clinical testing. Allele origin: germline.
Comment: The p.C1255R variant (also known as c.3763T>C), located in coding exon 14 of the CDK12 gene, results from a T to C substitution at nucleotide position 3763. The cysteine at codon 1255 is replaced by arginine, an amino acid with highly dissimilar properties. This amino acid position is conserved. In addition, the in silico prediction for this alteration is inconclusive. Based on the available evidence, the clinical significance of this variant remains unclear.

NM_016507.4(CDK12):c.3763T>C (p.Cys1255Arg)

Gene: CDK12 (cyclin dependent kinase 12; plus strand). Cytogenetic location: 17q12.
Variant type: single nucleotide variant.
Coding change: c.3763T>C on transcript NM_016507.4 (MANE Select); coding-DNA position 3763, T replaced by C.
Protein change: p.Cys1255Arg; replaces cysteine 1255 with arginine.
Molecular consequence: missense variant. On other transcripts: intron variant (1).
Genome position (GRCh38, 1-based): chr17:39,530,606, T>C. VCF-style: chr17-39530606-T-C. GRCh37 (hg19) VCF-style: chr17-37686859-T-C.
Other names: c.3761-25T>C (NM_015083.4); short protein forms C1255R.
Identifiers: ClinVar variation 4844472 (VCV004844472.1).
Genomic context (GRCh38, chr17:39,530,606, plus strand): 5'-TGTTTATAATCACATGTGCTTTTTAAGATGGTGTTTAAAAGAAGTAACCCTTCCACAGCA[T>C]GTCCTCCTCACATTCTTCCACCAGAGAAGAGGCCCCCTGAGCCCCCCGGACCTCCACCGC-3'
Protein context (NP_057591.2, residues 1245-1265): PTMPQEEAAA[Cys1255Arg]PPHILPPEKR